The following is an entry in ClinVar:

ClinVar aggregate classification (germline): Likely benign (1 of 4 stars; one submission).

Submission:

Center for Pediatric Genomic Medicine, Children's Mercy Hospital and Clinics
Classification: Likely benign. Last evaluated: 2016-12-30. Review status: criteria provided, single submitter. Criteria: ACMG Guidelines, 2015. Collection method: clinical testing. Allele origin: germline.
ClinVar note: Converted during submission from Likely Benign to Likely benign.

NC_012920.1(MT-ATP6):m.8943C>T

Gene: MT-ATP6 (mitochondrially encoded ATP synthase 6; plus strand).
Variant type: single nucleotide variant.
Genome position: chrM-8943-C-T.
Identifiers: ClinVar variation 377352 (VCV000377352.3), dbSNP rs1057520204, ClinGen allele CA16603352.